The following is an entry in ClinVar:

NM_001166108.2(PALLD):c.688A>G (p.Met230Val)

Gene: PALLD (palladin, cytoskeletal associated protein; plus strand). Cytogenetic location: 4q32.3.
Variant type: single nucleotide variant.
Coding change: c.688A>G on transcript NM_001166108.2 (MANE Select); coding-DNA position 688, A replaced by G.
Protein change: p.Met230Val; replaces methionine 230 with valine.
Molecular consequence: missense variant.
Genome position (GRCh38, 1-based): chr4:168,512,192, A>G. VCF-style: chr4-168512192-A-G. GRCh37 (hg19) VCF-style: chr4-169433343-A-G.
Other names: c.688A>G, p.Met230Val (NM_016081.4); short protein forms M230V.
Identifiers: ClinVar variation 3226833 (VCV003226833.1), dbSNP rs2531435480, ClinGen allele CA358727925.

ClinVar aggregate classification (germline): Uncertain significance (1 of 4 stars; one submission).

Allele frequency attached by ClinVar (database versions not stated): gnomAD exomes below 0.00001.
gnomAD v4.1: 1 of 1,613,624 alleles (0.000062%); highest among the groups gnomAD compares: Non-Finnish European, 0.000085%; no homozygotes.

Submission:

Ambry Genetics
Classification: Uncertain significance. Last evaluated: 2023-12-20. Review status: criteria provided, single submitter. Criteria: Ambry Variant Classification Scheme 2023. Collection method: clinical testing. Allele origin: germline.
Comment: The p.M230V variant (also known as c.688A>G), located in coding exon 1 of the PALLD gene, results from an A to G substitution at nucleotide position 688. The methionine at codon 230 is replaced by valine, an amino acid with highly similar properties. This amino acid position is conserved. In addition, this alteration is predicted to be tolerated by in silico analysis. Since supporting evidence is limited at this time, the clinical significance of this alteration remains unclear.